The following is an entry in ClinVar:

NM_133261.3(GIPC3):c.*2858C>G

Gene: GIPC3 (GIPC PDZ domain containing family member 3; plus strand). Cytogenetic location: 19p13.3.
Variant type: single nucleotide variant.
Coding change: c.*2858C>G on transcript NM_133261.3 (MANE Select); 2858 bases downstream of the stop codon, C replaced by G.
Molecular consequence: 3 prime UTR variant. On other transcripts: synonymous variant (1).
Genome position (GRCh38, 1-based): chr19:3,593,048, C>G. VCF-style: chr19-3593048-C-G. GRCh37 (hg19) VCF-style: chr19-3593046-C-G.
Other names: c.3810C>G, p.Pro1270= (NM_001411144.1).
Identifiers: ClinVar variation 3389170 (VCV003389170.14).

ClinVar aggregate classification (germline): Likely benign (1 of 4 stars; one submission).

Submission:

CeGaT Center for Human Genetics Tuebingen
Classification: Likely benign. Last evaluated: 2024-11-01. Review status: criteria provided, single submitter. Criteria: CeGaT Center For Human Genetics Tuebingen Variant Classification Criteria Version 2. Collection method: clinical testing. Allele origin: germline. Affected: yes. Observed: 1 variant allele.
Comment: GIPC3: PM2:Supporting, BP4, BP7